The following is an entry in ClinVar:

ClinVar aggregate classification (germline): Uncertain significance (1 of 4 stars; one submission).

Conditions:
Hereditary breast ovarian cancer syndrome. Also called: Hereditary breast and ovarian cancer syndrome; Hereditary breast and/or ovarian cancer syndrome; BRCA1- and BRCA2-Associated Hereditary Breast and Ovarian Cancer; Hereditary breast and ovarian cancer syndrome (HBOC); Hereditary breast and ovarian cancer; Breast and ovarian cancer. Identifiers: Orphanet 145, MedGen C0677776, MeSH D061325, MONDO:0003582. Disease mechanism: loss of function.

Allele frequency attached by ClinVar (database versions not stated): gnomAD exomes below 0.00001.
gnomAD v4.1: 1 of 1,613,600 alleles (0.000062%); highest among the groups gnomAD compares: Non-Finnish European, 0.000085%; no homozygotes.

Submission:

Labcorp Genetics (formerly Invitae), Labcorp
Classification: Uncertain significance for Hereditary breast ovarian cancer syndrome. Last evaluated: 2023-05-17. Review status: criteria provided, single submitter. Criteria: Invitae Variant Classification Sherloc (09022015). Collection method: clinical testing. Allele origin: germline.
Comment: In summary, the available evidence is currently insufficient to determine the role of this variant in disease. Therefore, it has been classified as a Variant of Uncertain Significance. Advanced modeling of protein sequence and biophysical properties (such as structural, functional, and spatial information, amino acid conservation, physicochemical variation, residue mobility, and thermodynamic stability) performed at Invitae indicates that this missense variant is not expected to disrupt BRCA1 protein function. This sequence change replaces asparagine, which is neutral and polar, with aspartic acid, which is acidic and polar, at codon 1354 of the BRCA1 protein (p.Asn1354Asp). This variant has not been reported in the literature in individuals affected with BRCA1-related conditions. This variant is not present in population databases (gnomAD no frequency).

NM_007294.4(BRCA1):c.4060A>G (p.Asn1354Asp)

Genes: BRCA1 (BRCA1 DNA repair associated; minus strand), LOC126862571 (BRD4-independent group 4 enhancer GRCh37_chr17:41243136-41244335; plus strand). Cytogenetic location: 17q21.31.
Variant type: single nucleotide variant.
Coding change: c.4060A>G on transcript NM_007294.4 (MANE Select); coding-DNA position 4060, A replaced by G.
Protein change: p.Asn1354Asp; replaces asparagine 1354 with aspartic acid.
Molecular consequence: missense variant. On other transcripts: intron variant (135).
Genome position (GRCh38, 1-based): chr17:43,091,471, T>C on the plus strand (A>G on the coding strand, the complement: BRCA1 is on the minus strand). VCF-style: chr17-43091471-T-C. GRCh37 (hg19) VCF-style: chr17-41243488-T-C.
Other names: c.3847A>G, p.Asn1283Asp (NM_001407894.1, NM_001407895.1, NM_001407896.1 and 9 more transcripts); c.3850A>G, p.Asn1284Asp (NM_001407900.1, NM_001407902.1, NM_001407904.1 and 13 more transcripts); c.3937A>G, p.Asn1313Asp (NM_001407919.1, NM_001407937.1, NM_001407938.1 and 19 more transcripts); c.3796A>G, p.Asn1266Asp (NM_001407920.1, NM_001407921.1, NM_001407922.1 and 9 more transcripts); c.3793A>G, p.Asn1265Asp (NM_001407930.1, NM_001407931.1, NM_001407932.1 and 2 more transcripts); c.3934A>G, p.Asn1312Asp (NM_001407940.1, NM_001407941.1, NM_001407649.1 and 11 more transcripts); c.3919A>G, p.Asn1307Asp (NM_001407942.1, NM_001407944.1, NM_001407945.1 and 29 more transcripts); c.3916A>G, p.Asn1306Asp (NM_001407943.1, NM_001407964.1, NM_001407740.1 and 20 more transcripts); and 41 more; short protein forms N1226D, N1266D, N1284D, N1306D, N1283D, N1286D, N486D, N1058D.
Identifiers: ClinVar variation 2861842 (VCV002861842.3), dbSNP rs2154266828, ClinGen allele CA10593842.